The following is an entry in ClinVar:

ClinVar aggregate classification (germline): Benign/Likely benign. Review status: criteria provided, multiple submitters, no conflicts (2 of 4 stars). 2 submissions from 2 submitters: Benign (1); Likely benign (1). Last evaluated 2024-06-27.

Conditions:
Oligodontia-cancer predisposition syndrome. Also called: TOOTH AGENESIS-COLORECTAL CANCER SYNDROME. Identifiers: Orphanet 300576, MedGen C1837750, MONDO:0012075, OMIM 608615. Disease mechanism: loss of function.

Submissions (2):

Myriad Genetics, Inc.
Classification: Benign for Oligodontia-cancer predisposition syndrome. Last evaluated: 2024-06-27. Review status: criteria provided, single submitter. Criteria: Myriad Autosomal Dominant, Autosomal Recessive and X-Linked Classification Criteria (2023). Collection method: clinical testing. Allele origin: unknown.
Comment: This variant is considered benign. This variant is a silent/synonymous amino acid change and it is not expected to impact splicing.

Labcorp Genetics (formerly Invitae), Labcorp
Classification: Likely benign for Oligodontia-cancer predisposition syndrome. Last evaluated: 2023-05-05. Review status: criteria provided, single submitter. Criteria: Invitae Variant Classification Sherloc (09022015). Collection method: clinical testing. Allele origin: germline.

NM_004655.4(AXIN2):c.558C>A (p.Ala186=)

Gene: AXIN2 (axin 2; minus strand). Cytogenetic location: 17q24.1.
Variant type: single nucleotide variant.
Coding change: c.558C>A on transcript NM_004655.4 (MANE Select); coding-DNA position 558, C replaced by A.
Protein change: p.Ala186=; no amino-acid change (alanine 186 retained).
Molecular consequence: synonymous variant.
Genome position (GRCh38, 1-based): chr17:65,558,063, G>T on the plus strand (C>A on the coding strand, the complement: AXIN2 is on the minus strand). VCF-style: chr17-65558063-G-T. GRCh37 (hg19) VCF-style: chr17-63554181-G-T.
Other names: c.558C>A, p.Ala186= (NM_001363813.1).
Identifiers: ClinVar variation 2721581 (VCV002721581.4), dbSNP rs1598119456, ClinGen allele CA501691737.